The following is an entry in ClinVar:

NM_001142966.3(GREB1L):c.1171C>G (p.Leu391Val)

Genes: GREB1L (GREB1 like retinoic acid receptor coactivator; plus strand), GREB1L-AS1 (GREB1L antisense RNA 1; minus strand). Cytogenetic location: 18q11.1.
Variant type: single nucleotide variant.
Coding change: c.1171C>G on transcript NM_001142966.3 (MANE Select); coding-DNA position 1171, C replaced by G.
Protein change: p.Leu391Val; replaces leucine 391 with valine.
Molecular consequence: missense variant.
Genome position (GRCh38, 1-based): chr18:21,441,501, C>G. VCF-style: chr18-21441501-C-G. GRCh37 (hg19) VCF-style: chr18-19021462-C-G.
Other names: c.1300C>G, p.Leu434Val (NM_001410867.1); c.1171C>G, p.Leu391Val (NM_001410868.1); short protein forms L391V, L434V.
Identifiers: ClinVar variation 3061207 (VCV003061207.2), dbSNP rs116887099, ClinGen allele CA401800314.

ClinVar aggregate classification (germline): Uncertain significance (0 of 4 stars; one submission).

Conditions:
GREB1L-related disorder. Also called: GREB1L-related condition.

Submission:

PreventionGenetics, part of Exact Sciences
Classification: Uncertain significance for GREB1L-related condition. Last evaluated: 2024-01-31. Review status: no assertion criteria provided. Collection method: clinical testing. Allele origin: germline.
Comment: The GREB1L c.1171C>G variant is predicted to result in the amino acid substitution p.Leu391Val. Of note, this variant is also predicted to create a strong donor splice site within the exon and may result in aberrant splicing (SpliceAI, Jaganathan K, et al. 2019. PubMed ID: 30661751). To our knowledge, this variant has not been reported in the literature or in a large population database, indicating this variant is rare. At this time, the clinical significance of this variant is uncertain due to the absence of conclusive functional and genetic evidence.